The following is an entry in ClinVar:

NM_000258.3(MYL3):c.133G>C (p.Glu45Gln)

Gene: MYL3 (myosin light chain 3; minus strand). Cytogenetic location: 3p21.31.
Variant type: single nucleotide variant.
Coding change: c.133G>C on transcript NM_000258.3 (MANE Select); coding-DNA position 133, G replaced by C.
Protein change: p.Glu45Gln; replaces glutamic acid 45 with glutamine.
Molecular consequence: missense variant.
Genome position (GRCh38, 1-based): chr3:46,860,984, C>G on the plus strand (G>C on the coding strand, the complement: MYL3 is on the minus strand). VCF-style: chr3-46860984-C-G. GRCh37 (hg19) VCF-style: chr3-46902474-C-G.
Other names: short protein forms E45Q.
Identifiers: ClinVar variation 966115 (VCV000966115.9), dbSNP rs1701987196, ClinGen allele CA352498901.

ClinVar aggregate classification (germline): Uncertain significance. Review status: criteria provided, multiple submitters, no conflicts (2 of 4 stars). 3 submissions from 3 submitters: Uncertain significance (3). Last evaluated 2024-06-04.

Conditions:
Cardiomyopathy (CMYO). Also called: Cardiomyopathies. Identifiers: Orphanet 167848, MedGen C0878544, MONDO:0004994, HP:0001638. Inheritance: Various modes of inheritance.
Hypertrophic cardiomyopathy. Also called: HYPERTROPHIC MYOCARDIOPATHY. Identifiers: Orphanet 217569, MedGen C0007194, MeSH D002312, MONDO:0005045, HP:0001639.

Allele frequency attached by ClinVar (database versions not stated): gnomAD exomes below 0.00001.
gnomAD v4.1: 2 of 1,613,992 alleles (0.00012%); highest among the groups gnomAD compares: Non-Finnish European, 0.00017%; no homozygotes.

Submissions (3):

Color Diagnostics, LLC DBA Color Health
Classification: Uncertain significance for Cardiomyopathy. Last evaluated: 2024-06-04. Review status: criteria provided, single submitter. Criteria: ACMG Guidelines, 2015. Collection method: clinical testing. Allele origin: germline.
Comment: This missense variant replaces glutamic acid with glutamine at codon 45 of the MYL3 protein. Computational prediction tools indicate that this variant has a neutral impact on protein structure and function. To our knowledge, functional studies have not been reported for this variant. This variant has been reported in one individual affected with long QT syndrome (PMID: 31376648). This variant has not been identified in the general population by the Genome Aggregation Database (gnomAD). The available evidence is insufficient to determine the role of this variant in disease conclusively. Therefore, this variant is classified as a Variant of Uncertain Significance.

All of Us Research Program, National Institutes of Health
Classification: Uncertain significance for Hypertrophic cardiomyopathy. Last evaluated: 2024-03-05. Review status: criteria provided, single submitter. Criteria: ACMG Guidelines, 2015. Collection method: clinical testing. Allele origin: germline. Inheritance: Autosomal dominant inheritance. Observed: 1 variant allele, 1 heterozygote.
Comment: This study involves interpretation of variants in research participants for the purpose of population health screening. Participant phenotype was not available at the time of variant classification. Additional details can be found in publication PMID: 35346344, PMCID: PMC8962531

Labcorp Genetics (formerly Invitae), Labcorp
Classification: Uncertain significance for Hypertrophic cardiomyopathy. Last evaluated: 2019-11-12. Review status: criteria provided, single submitter. Criteria: Invitae Variant Classification Sherloc (09022015). Collection method: clinical testing. Allele origin: germline.
Comment: This sequence change replaces glutamic acid with glutamine at codon 45 of the MYL3 protein (p.Glu45Gln). The glutamic acid residue is moderately conserved and there is a small physicochemical difference between glutamic acid and glutamine. This variant is not present in population databases (ExAC no frequency). This variant has not been reported in the literature in individuals with MYL3-related conditions. Algorithms developed to predict the effect of missense changes on protein structure and function are either unavailable or do not agree on the potential impact of this missense change (SIFT: "Tolerated"; PolyPhen-2: "Possibly Damaging"; Align-GVGD: "Class C0"). In summary, the available evidence is currently insufficient to determine the role of this variant in disease. Therefore, it has been classified as a Variant of Uncertain Significance.

Literature cited by the submitters: PubMed 31376648 (cited by Color Diagnostics, LLC DBA Color Health).